The following is an entry in ClinVar:

NM_139248.3(LIPH):c.742C>A (p.His248Asn)

Gene: LIPH (lipase H; minus strand). Cytogenetic location: 3q27.2.
Variant type: single nucleotide variant.
Coding change: c.742C>A on transcript NM_139248.3 (MANE Select); coding-DNA position 742, C replaced by A.
Protein change: p.His248Asn; replaces histidine 248 with asparagine.
Molecular consequence: missense variant.
Genome position (GRCh38, 1-based): chr3:185,519,286, G>T on the plus strand (C>A on the coding strand, the complement: LIPH is on the minus strand). VCF-style: chr3-185519286-G-T. GRCh37 (hg19) VCF-style: chr3-185237074-G-T.
Other names: c.742C>A (NM_139248.2); short protein forms H248N.
Identifiers: ClinVar variation 30669 (VCV000030669.9), dbSNP rs201868115, ClinGen allele CA129388.

ClinVar aggregate classification (germline): Pathogenic/Likely pathogenic. Review status: criteria provided, multiple submitters, no conflicts (2 of 4 stars). 5 submissions from 5 submitters: Pathogenic (2); Likely pathogenic (2). 1 of the submissions does not count toward it. Last evaluated 2023-10-31.

Conditions:
Hypotrichosis 7 (HYPT7). Also called: HYPOTRICHOSIS, LOCALIZED, AUTOSOMAL RECESSIVE 2; HYPOTRICHOSIS, AUTOSOMAL RECESSIVE. Identifiers: Orphanet 55654, MedGen C1836672, MONDO:0011452, OMIM 604379.
Woolly hair, autosomal recessive 2, with or without hypotrichosis. Identifiers: MedGen C3148823.

Allele frequency attached by ClinVar (database versions not stated): gnomAD exomes 0.00010; ExAC 0.00011; gnomAD 0.00003 and 0.00005; TOPMed 0.00003; 1000 Genomes Project 30x 0.00031; 1000 Genomes Project 0.00040.
gnomAD v4.1: 57 of 1,613,100 alleles (0.0035%); highest among the groups gnomAD compares: East Asian, 0.12%; no homozygotes.

Submissions (5):

3billion
Classification: Likely pathogenic for Hypotrichosis 7. Last evaluated: 2023-10-31. Review status: criteria provided, single submitter. Criteria: ACMG Guidelines, 2015. Collection method: clinical testing. Allele origin: germline. Affected: yes.
Comment: The variant is observed at an extremely low frequency in the gnomAD v2.1.1 dataset (total allele frequency: 0.009%). Predicted Consequence/Location: Missense variant In silico tool predictions suggest damaging effect of the variant on gene or gene product [REVEL: 0.92 (>=0.6, sensitivity 0.68 and specificity 0.92); 3Cnet: 0.96 (>=0.6, sensitivity 0.72 and precision 0.9)]. Same nucleotide change resulting in same amino acid change has been previously reported to be associated with LIPH related disorder (ClinVar ID: VCV000030669 /PMID: 19892526). The variant has been reported to be in trans with a pathogenic variant as either compound heterozygous or homozygous in at least one similarly affected unrelated individual (PMID: 19892526). Therefore, this variant is classified as Likely pathogenic according to the recommendation of ACMG/AMP guideline.

GeneDx
Classification: Pathogenic. Last evaluated: 2023-07-27. Review status: criteria provided, single submitter. Criteria: GeneDx Variant Classification Process June 2021. Collection method: clinical testing. Allele origin: germline. Affected: yes.
Comment: Published functional studies demonstrate a damaging effect on enzyme activity (Shinkuma et al., 2010); In silico analysis supports that this missense variant has a deleterious effect on protein structure/function; This variant is associated with the following publications: (PMID: 25201209, 25819726, 32667621, 37375751, 36852523, 33988877, 22449147, 35238153, 21537821, 34676598, 22995991, 27774676, 24354445, 19892526, 29346610, 20213768, 24586639)

Revvity Omics, Revvity
Classification: Likely pathogenic for Hypotrichosis 7. Last evaluated: 2021-12-20. Review status: criteria provided, single submitter. Criteria: ACMG Guidelines, 2015. Collection method: clinical testing. Allele origin: germline.

Juno Genomics, Hangzhou Juno Genomics, Inc
Classification: Pathogenic for Hypotrichosis 7. Review status: criteria provided, single submitter. Criteria: ACMG Guidelines, 2015. Collection method: clinical testing. Allele origin: germline.
Comment: Absent from controls (or at extremely low frequency if recessive) in Genome Aggregation Database.;For recessive disorders, detected in trans with a pathogenic variant.;Co-segregation with disease in multiple affected family members.;Multiple lines of computational evidence support a deleterious effect on the gene or gene product.;Patient's phenotype or family history is highly specific for a disease with a single genetic etiology.

OMIM
Classification: Pathogenic for WOOLLY HAIR, AUTOSOMAL RECESSIVE 2, WITH OR WITHOUT HYPOTRICHOSIS. Last evaluated: 2009-03-01. Review status: no assertion criteria provided. Collection method: literature only. Allele origin: germline. Not counted in ClinVar's aggregate classification.

Literature cited by the submitters: PubMed 19892526 (cited by 3billion); PubMed 18830268 (cited by OMIM).